The following is an entry in ClinVar:

ClinVar aggregate classification (germline): Uncertain significance (1 of 4 stars; one submission).

Submission:

Women's Health and Genetics/Laboratory Corporation of America, LabCorp
Classification: Uncertain significance. Last evaluated: 2021-11-17. Review status: criteria provided, single submitter. Criteria: LabCorp Variant Classification Summary - May 2015. Collection method: clinical testing. Allele origin: germline.
Comment: Variant summary: NAGLU c.212_214delGCG (p.Gly71del) results in an in-frame deletion that is predicted to remove one amino acid from the Alpha-N-acetylglucosaminidase, N-terminal domain (IPR024240) of the encoded protein. The variant was absent in 21816 control chromosomes. The available data on variant occurrences in the general population are insufficient to allow any conclusion about variant significance. c.212_214delGCG has been reported in the literature as a compound heterozygous genotype with a pathogenic variant (c.700C>T, p.Arg234Cys) in at-least one individual affected with Mucopolysaccharidosis Type IIIB (Sanfilippo Syndrome B) (example, Coll_2001). The diagnosis of Sanfilippo Syndrome B was reportedly established on the basis of the clinical features and biochemical analysis, although no data describing this individual were provided. These data do not allow any conclusion about variant significance. To our knowledge, no experimental evidence demonstrating an impact on protein function has been reported. No clinical diagnostic laboratories have submitted clinical-significance assessments for this variant to ClinVar after 2014. Based on the evidence outlined above, the variant was classified as uncertain significance.

Literature cited by the submitters: PubMed 11286389.

NM_000263.4(NAGLU):c.203GCG[3] (p.Gly71del)

Genes: NAGLU (N-acetyl-alpha-glucosaminidase; plus strand), LOC130060903 (ATAC-STARR-seq lymphoblastoid silent region 8533; plus strand). Cytogenetic location: 17q21.2.
Variant type: Microsatellite.
Coding change: c.203GCG[3] on transcript NM_000263.4 (MANE Select); three copies in a row of the 3-base unit GCG starting at c.203; the reference has four copies in a row; one copy, 3 bases deleted.
Protein change: p.Gly71del; deletes glycine 71.
Molecular consequence: inframe deletion.
Genome position (GRCh38, 1-based): chr17:42,536,484-42,536,486, GCG deleted; deleting any 3 consecutive bases within chr17:42,536,474-42,536,486 gives the same sequence; the position shown is the placement nearest the transcript's 3' end. VCF-style (leftmost placement, unchanged base first): chr17-42536473-GGGC-G. GRCh37 (hg19) VCF-style: chr17-40688491-GGGC-G.
Other names: short protein forms G71del.
Identifiers: ClinVar variation 1328983 (VCV001328983.1), dbSNP rs1186888836, ClinGen allele CA500216095.